The following is an entry in ClinVar:

ClinVar aggregate classification (germline): Pathogenic (1 of 4 stars; one submission).

Conditions:
Charlevoix-Saguenay spastic ataxia (SACS). Also called: AUTOSOMAL RECESSIVE SPASTIC ATAXIA OF CHARLEVOIX-SAGUENAY; Spastic ataxia of Charlevoix-Saguenay; SPASTIC ATAXIA 6, AUTOSOMAL RECESSIVE. Identifiers: Orphanet 98, MedGen C1849140, MONDO:0010041, OMIM 270550.

Submission:

Women's Health and Genetics/Laboratory Corporation of America, LabCorp
Classification: Pathogenic for Charlevoix-Saguenay spastic ataxia. Last evaluated: 2025-09-20. Review status: criteria provided, single submitter. Criteria: LabCorp Variant Classification Summary - May 2015. Collection method: clinical testing. Allele origin: germline.
Comment: Variant summary: SACS c.10201C>T (p.Gln3401X) results in a premature termination codon, predicted to cause a truncation of the encoded protein or absence of the protein, which are commonly known mechanisms for disease. Variant(s) down stream of this position has been determined to be pathogenic (example: Variation ID: 2826487). The variant was absent in 251004 control chromosomes. To our knowledge, no occurrence of c.10201C>T in individuals affected with SACS-related conditions and no experimental evidence demonstrating its impact on protein function have been reported. No submitters have cited clinical-significance assessments for this variant to ClinVar. Based on the evidence outlined above, the variant was classified as pathogenic.

NM_014363.6(SACS):c.10201C>T (p.Gln3401Ter)

Gene: SACS (sacsin molecular chaperone; minus strand). Cytogenetic location: 13q12.12.
Variant type: single nucleotide variant.
Coding change: c.10201C>T on transcript NM_014363.6 (MANE Select); coding-DNA position 10201, C replaced by T.
Protein change: p.Gln3401Ter; replaces glutamine 3401 with a stop codon.
Molecular consequence: nonsense.
Genome position (GRCh38, 1-based): chr13:23,333,675, G>A on the plus strand (C>T on the coding strand, the complement: SACS is on the minus strand). VCF-style: chr13-23333675-G-A. GRCh37 (hg19) VCF-style: chr13-23907814-G-A.
Other names: c.9760C>T, p.Gln3254Ter (NM_001278055.2); c.10228C>T, p.Gln3410Ter (NM_001437336.1); short protein forms Q3254*, Q3401*, Q3410*.
Identifiers: ClinVar variation 4536106 (VCV004536106.1).
Genomic context (GRCh38, chr13:23,333,675, plus strand): 5'-CATAGCGGCCACTGATGGATTTATAGCACGGAAGTGACTTTAGAATTTTTATATCATCTT[G>A]GGACATCAAATGATTCAAATTGCAGTTGAAATACATCAAAAGTGCCTCAAAATCATTTTC-3'